The following is an entry in ClinVar:

NM_032444.4(SLX4):c.2251T>G (p.Phe751Val)

Gene: SLX4 (SLX4 structure-specific endonuclease subunit; minus strand). Cytogenetic location: 16p13.3.
Variant type: single nucleotide variant.
Coding change: c.2251T>G on transcript NM_032444.4 (MANE Select); coding-DNA position 2251, T replaced by G.
Protein change: p.Phe751Val; replaces phenylalanine 751 with valine.
Molecular consequence: missense variant.
Genome position (GRCh38, 1-based): chr16:3,592,775, A>C on the plus strand (T>G on the coding strand, the complement: SLX4 is on the minus strand). VCF-style: chr16-3592775-A-C. GRCh37 (hg19) VCF-style: chr16-3642776-A-C.
Other names: short protein forms F751V.
Identifiers: ClinVar variation 1957834 (VCV001957834.5), dbSNP rs2040607861, ClinGen allele CA394524880.

ClinVar aggregate classification (germline): Uncertain significance (1 of 4 stars; one submission).

Conditions:
Fanconi anemia (FA). Also called: Fanconi's anemia. Identifiers: Orphanet 84, MedGen C0015625, MeSH D005199, MONDO:0019391.

Submission:

Labcorp Genetics (formerly Invitae), Labcorp
Classification: Uncertain significance for Fanconi anemia. Last evaluated: 2022-08-12. Review status: criteria provided, single submitter. Criteria: Invitae Variant Classification Sherloc (09022015). Collection method: clinical testing. Allele origin: germline.
Comment: In summary, the available evidence is currently insufficient to determine the role of this variant in disease. Therefore, it has been classified as a Variant of Uncertain Significance. Algorithms developed to predict the effect of missense changes on protein structure and function are either unavailable or do not agree on the potential impact of this missense change (SIFT: "Deleterious"; PolyPhen-2: "Probably Damaging"; Align-GVGD: "Class C0"). This variant has not been reported in the literature in individuals affected with SLX4-related conditions. This variant is not present in population databases (gnomAD no frequency). This sequence change replaces phenylalanine, which is neutral and non-polar, with valine, which is neutral and non-polar, at codon 751 of the SLX4 protein (p.Phe751Val).